The following is an entry in ClinVar:

ClinVar aggregate classification (germline): Uncertain significance (1 of 4 stars; one submission).

Conditions:
Cardiovascular phenotype. Identifiers: MedGen CN230736.

Submission:

Ambry Genetics
Classification: Uncertain significance for Cardiovascular phenotype. Last evaluated: 2023-03-20. Review status: criteria provided, single submitter. Criteria: Ambry Variant Classification Scheme 2023. Collection method: clinical testing. Allele origin: germline.
Comment: The c.3075+4G>A intronic variant results from a G to A substitution 4 nucleotides after coding exon 13 in the MYPN gene. This nucleotide position is not well conserved in available vertebrate species. In silico splice site analysis predicts that this alteration will not have any significant effect on splicing. Since supporting evidence is limited at this time, the clinical significance of this alteration remains unclear.

NM_032578.4(MYPN):c.3075+4G>A

Genes: MYPN (myopalladin; plus strand), LOC132089829 (Neanderthal introgressed variant-containing enhancer experimental_16132; plus strand). Cytogenetic location: 10q21.3.
Variant type: single nucleotide variant.
Coding change: c.3075+4G>A on transcript NM_032578.4 (MANE Select); 4 bases into the intron after coding-DNA position 3075, G replaced by A.
Molecular consequence: intron variant.
Genome position (GRCh38, 1-based): chr10:68,194,516, G>A. VCF-style: chr10-68194516-G-A. GRCh37 (hg19) VCF-style: chr10-69954273-G-A.
Other names: c.3075+4G>A (NM_001256267.2); c.2193+4G>A (NM_001256268.2).
Identifiers: ClinVar variation 2563963 (VCV002563963.2), dbSNP rs1406143504, ClinGen allele CA2580615497.
Genomic context (GRCh38, chr10:68,194,516, plus strand): 5'-GAATCCACTACCAGTGATGACGATGGCAACTACACCATCATGGCAGCCAACCCCCAGGTG[G>A]AGACGCAGGGTTCTGCGCTGTGCTGCACTCTGAGGAAGGAGCGGTTGATGTCATTGTGAA-3'